The following is an entry in ClinVar:

NM_032043.3(BRIP1):c.2258-8T>C

Gene: BRIP1 (BRCA1 interacting DNA helicase 1; minus strand). Cytogenetic location: 17q23.2.
Variant type: single nucleotide variant.
Coding change: c.2258-8T>C on transcript NM_032043.3 (MANE Select); 8 bases into the intron before coding-DNA position 2258, T replaced by C.
Molecular consequence: intron variant.
Genome position (GRCh38, 1-based): chr17:61,743,142, A>G on the plus strand (T>C on the coding strand, the complement: BRIP1 is on the minus strand). VCF-style: chr17-61743142-A-G. GRCh37 (hg19) VCF-style: chr17-59820503-A-G.
Identifiers: ClinVar variation 1577979 (VCV001577979.12), dbSNP rs2077009801, ClinGen allele CA985267502.

ClinVar aggregate classification (germline): Likely benign. Review status: criteria provided, multiple submitters, no conflicts (2 of 4 stars). 3 submissions from 3 submitters: Likely benign (3). Last evaluated 2024-09-04.

Conditions:
Hereditary cancer-predisposing syndrome. Also called: Neoplastic Syndromes, Hereditary; Hereditary neoplastic syndrome; Hereditary Cancer Syndrome; Tumor predisposition. Identifiers: Orphanet 140162, MedGen C0027672, MeSH D009386, MONDO:0015356.
Familial cancer of breast. Also called: BREAST CANCER, FAMILIAL; Hereditary breast cancer; hereditary breast carcinoma. Identifiers: Orphanet 227535, MedGen C0346153, MONDO:0016419, OMIM 114480. Disease mechanism: loss of function.
Fanconi anemia complementation group J. Also called: BRIP1-Related Fanconi Anemia. Identifiers: Orphanet 84, MedGen C1836860, MONDO:0012187, OMIM 609054.

Allele frequency attached by ClinVar (database versions not stated): gnomAD 0.00001.
gnomAD v4.1: 1 of 1,613,790 alleles (0.000062%); highest among the groups gnomAD compares: Non-Finnish European, 0.000085%; no homozygotes.

Submissions (3):

Myriad Genetics, Inc.
Classification: Likely benign for Familial cancer of breast. Last evaluated: 2024-09-04. Review status: criteria provided, single submitter. Criteria: Myriad Autosomal Dominant, Autosomal Recessive and X-Linked Classification Criteria (2023). Collection method: clinical testing. Allele origin: unknown.
Comment: This variant is considered likely benign. This variant is intronic and is not expected to impact mRNA splicing.

Color Diagnostics, LLC DBA Color Health
Classification: Likely benign for Hereditary cancer-predisposing syndrome. Last evaluated: 2022-12-05. Review status: criteria provided, single submitter. Criteria: ACMG Guidelines, 2015. Collection method: clinical testing. Allele origin: germline.

Labcorp Genetics (formerly Invitae), Labcorp
Classification: Likely benign for Familial cancer of breast; Fanconi anemia complementation group J. Last evaluated: 2021-08-14. Review status: criteria provided, single submitter. Criteria: Invitae Variant Classification Sherloc (09022015). Collection method: clinical testing. Allele origin: germline.